The following is an entry in ClinVar:

NM_177550.5(SLC13A5):c.1541T>C (p.Val514Ala)

Gene: SLC13A5 (solute carrier family 13 member 5; minus strand). Cytogenetic location: 17p13.1.
Variant type: single nucleotide variant.
Coding change: c.1541T>C on transcript NM_177550.5 (MANE Select); coding-DNA position 1541, T replaced by C.
Protein change: p.Val514Ala; replaces valine 514 with alanine.
Molecular consequence: missense variant. On other transcripts: intron variant (1).
Genome position (GRCh38, 1-based): chr17:6,687,563, A>G on the plus strand (T>C on the coding strand, the complement: SLC13A5 is on the minus strand). VCF-style: chr17-6687563-A-G. GRCh37 (hg19) VCF-style: chr17-6590882-A-G.
Other names: c.1490T>C, p.Val497Ala (NM_001284509.2); c.1412T>C, p.Val471Ala (NM_001284510.2); c.1438-1225T>C (NM_001143838.3); short protein forms V471A, V497A, V514A.
Identifiers: ClinVar variation 1449543 (VCV001449543.7), dbSNP rs776701159, ClinGen allele CA8331347.

ClinVar aggregate classification (germline): Uncertain significance. Review status: criteria provided, multiple submitters, no conflicts (2 of 4 stars). 2 submissions from 2 submitters: Uncertain significance (2). Last evaluated 2024-02-17.

Conditions:
Developmental and epileptic encephalopathy, 25 (DEE25). Also called: Developmental and epileptic encephalopathy 25, with amelogenesis imperfecta; Epileptic encephalopathy, early infantile, 25, with amelogenesis imperfecta; Epileptic encephalopathy, early infantile, 25. Identifiers: Orphanet 442835, MedGen C4014621, MONDO:0014392, OMIM 615905.

Allele frequency attached by ClinVar (database versions not stated): gnomAD exomes below 0.00001 and 0.00001; TOPMed below 0.00001; ExAC 0.00001; gnomAD 0.00001.
gnomAD v4.1: 20 of 1,613,846 alleles (0.0012%); highest among the groups gnomAD compares: Non-Finnish European, 0.0017%; no homozygotes.

Submissions (2):

Labcorp Genetics (formerly Invitae), Labcorp
Classification: Uncertain significance for Developmental and epileptic encephalopathy, 25. Last evaluated: 2024-02-17. Review status: criteria provided, single submitter. Criteria: Invitae Variant Classification Sherloc (09022015). Collection method: clinical testing. Allele origin: germline.
Comment: This sequence change replaces valine, which is neutral and non-polar, with alanine, which is neutral and non-polar, at codon 514 of the SLC13A5 protein (p.Val514Ala). This variant is present in population databases (rs776701159, gnomAD 0.0009%). This variant has not been reported in the literature in individuals affected with SLC13A5-related conditions. ClinVar contains an entry for this variant (Variation ID: 1449543). Advanced modeling of protein sequence and biophysical properties (such as structural, functional, and spatial information, amino acid conservation, physicochemical variation, residue mobility, and thermodynamic stability) performed at Invitae indicates that this missense variant is not expected to disrupt SLC13A5 protein function with a negative predictive value of 80%. In summary, the available evidence is currently insufficient to determine the role of this variant in disease. Therefore, it has been classified as a Variant of Uncertain Significance.

Fulgent Genetics
Classification: Uncertain significance for Developmental and epileptic encephalopathy, 25. Last evaluated: 2022-03-30. Review status: criteria provided, single submitter. Criteria: ACMG Guidelines, 2015. Collection method: clinical testing. Allele origin: unknown.